The following is an entry in ClinVar:

NM_000350.3(ABCA4):c.5367C>G (p.Ser1789Arg)

Gene: ABCA4 (ATP binding cassette subfamily A member 4; minus strand). Cytogenetic location: 1p22.1.
Variant type: single nucleotide variant.
Coding change: c.5367C>G on transcript NM_000350.3 (MANE Select); coding-DNA position 5367, C replaced by G.
Protein change: p.Ser1789Arg; replaces serine 1789 with arginine.
Molecular consequence: missense variant.
Genome position (GRCh38, 1-based): chr1:94,014,636, G>C on the plus strand (C>G on the coding strand, the complement: ABCA4 is on the minus strand). VCF-style: chr1-94014636-G-C. GRCh37 (hg19) VCF-style: chr1-94480192-G-C.
Other names: c.5145C>G, p.Ser1715Arg (NM_001425324.1); short protein forms S1789R, S1715R.
Identifiers: ClinVar variation 2151885 (VCV002151885.5), dbSNP rs2523668750, ClinGen allele CA341281425.
Genomic context (GRCh38, chr1:94,014,636, plus strand): 5'-AATAGCACTGCTGTTGATGCCGATGAACAGATTAGCACAAGATAAAGCCACATAGGCTGT[G>C]CTGGGGACATCAAACAGGAAGGATGCTGGGTACATCATGGGAATGACCGCCCATCTGTGT-3'
Protein context (NP_000341.2, residues 1779-1799): YPASFLFDVP[Ser1789Arg]TAYVALSCAN

ClinVar aggregate classification (germline): Likely pathogenic. Review status: criteria provided, multiple submitters, no conflicts (2 of 4 stars). 2 submissions from 2 submitters: Likely pathogenic (2). Last evaluated 2026-03-27.

Conditions:
Retinitis pigmentosa (RP). Identifiers: Orphanet 791, MedGen C0035334, MeSH D012174, MONDO:0019200, OMIM 268000. Inheritance: Autosomal dominant, autosomal recessive and X linked inheritance.

Submissions (2):

Women's Health and Genetics/Laboratory Corporation of America, LabCorp
Classification: Likely pathogenic for Retinitis pigmentosa. Last evaluated: 2026-03-27. Review status: criteria provided, single submitter. Criteria: LabCorp Variant Classification Summary - May 2015. Collection method: clinical testing. Allele origin: germline.
Comment: Variant summary: ABCA4 c.5367C>G (p.Ser1789Arg) results in a non-conservative amino acid change in the encoded protein sequence. Algorithms developed to predict the effect of missense changes on protein structure and function all suggest that this variant is likely to be disruptive. The variant was absent in 251438 control chromosomes. c.5367C>G has been observed in the presumed compound heterozygous state in at least 2 individual(s) affected with Retinitis Pigmentosa or Stargardt disease (example, Huang_2018, Cornelis_2022). These data indicate that the variant may be associated with disease. To our knowledge, no experimental evidence demonstrating an impact on protein function has been reported. Multiple variants located at the same codon (c.5365A>G, p.Ser1789Gly; c.5366G>A, p.Ser1789Asn) have been classified as Pathogenic/Likely Pathogenic, supporting a critical relevance of this residue to ABCA4 protein function. The following publications have been ascertained in the context of this evaluation (PMID: 37555651, 29641573, 35120629). ClinVar contains an entry for this variant (Variation ID: 2151885). Based on the evidence outlined above, the variant was classified as likely pathogenic.

Labcorp Genetics (formerly Invitae), Labcorp
Classification: Likely pathogenic. Last evaluated: 2024-02-23. Review status: criteria provided, single submitter. Criteria: Invitae Variant Classification Sherloc (09022015). Collection method: clinical testing. Allele origin: germline.
Comment: This sequence change replaces serine, which is neutral and polar, with arginine, which is basic and polar, at codon 1789 of the ABCA4 protein (p.Ser1789Arg). This variant is not present in population databases (gnomAD no frequency). This missense change has been observed in individual(s) with autosomal recessive retinitis pigmentosa (PMID: 29641573). ClinVar contains an entry for this variant (Variation ID: 2151885). Advanced modeling of protein sequence and biophysical properties (such as structural, functional, and spatial information, amino acid conservation, physicochemical variation, residue mobility, and thermodynamic stability) performed at Invitae indicates that this missense variant is expected to disrupt ABCA4 protein function with a positive predictive value of 95%. This variant disrupts the p.Ser1789 amino acid residue in ABCA4. Other variant(s) that disrupt this residue have been determined to be pathogenic (PMID: 29641573; Invitae). This suggests that this residue is clinically significant, and that variants that disrupt this residue are likely to be disease-causing. In summary, the currently available evidence indicates that the variant is pathogenic, but additional data are needed to prove that conclusively. Therefore, this variant has been classified as Likely Pathogenic.

Literature cited by the submitters: PubMed 29641573 (cited by Women's Health and Genetics/Laboratory Corporation of America, LabCorp and Labcorp Genetics (formerly Invitae), Labcorp); PubMed 35120629 (cited by Women's Health and Genetics/Laboratory Corporation of America, LabCorp); PubMed 37555651 (cited by Women's Health and Genetics/Laboratory Corporation of America, LabCorp).